The following is an entry in ClinVar:

ClinVar aggregate classification (germline): Uncertain significance. Review status: criteria provided, multiple submitters, no conflicts (2 of 4 stars). 2 submissions from 2 submitters: Uncertain significance (2). Last evaluated 2026-01-26.

Submissions (2):

Labcorp Genetics (formerly Invitae), Labcorp
Classification: Uncertain significance. Last evaluated: 2026-01-26. Review status: criteria provided, single submitter. Criteria: Invitae Variant Classification Sherloc (09022015). Collection method: clinical testing. Allele origin: germline.
Comment: This sequence change replaces serine, which is neutral and polar, with arginine, which is basic and polar, at codon 182 of the NEU1 protein (p.Ser182Arg). This variant is not present in population databases (gnomAD no frequency). This missense change has been observed in individual(s) with sialidosis (PMID: 34992946). ClinVar contains an entry for this variant (Variation ID: 93001). Invitae Evidence Modeling of protein sequence and biophysical properties (such as structural, functional, and spatial information, amino acid conservation, physicochemical variation, residue mobility, and thermodynamic stability) has been performed for this missense variant. However, the output from this modeling did not meet the statistical confidence thresholds required to predict the impact of this variant on NEU1 protein function. This variant disrupts the p.Ser182 amino acid residue in NEU1. Other variant(s) that disrupt this residue have been determined to be pathogenic (PMID: 10767332, 29018767, 29414417, 30023283). This suggests that this residue is clinically significant, and that variants that disrupt this residue are likely to be disease-causing. In summary, the available evidence is currently insufficient to determine the role of this variant in disease. Therefore, it has been classified as a Variant of Uncertain Significance.

Eurofins Ntd Llc (ga)
Classification: Uncertain significance. Last evaluated: 2017-12-07. Review status: criteria provided, single submitter. Criteria: EGL Classification Definitions 2015. Collection method: clinical testing. Allele origin: germline. Observed: 1 variant allele, 1 heterozygote.

Literature cited by the submitters: PubMed 34992946 (cited by Labcorp Genetics (formerly Invitae), Labcorp); PubMed 10767332 (cited by Labcorp Genetics (formerly Invitae), Labcorp); PubMed 29018767 (cited by Labcorp Genetics (formerly Invitae), Labcorp); PubMed 29414417 (cited by Labcorp Genetics (formerly Invitae), Labcorp); PubMed 30023283 (cited by Labcorp Genetics (formerly Invitae), Labcorp).

NM_000434.4(NEU1):c.544A>C (p.Ser182Arg)

Gene: NEU1 (neuraminidase 1; minus strand). Cytogenetic location: 6p21.33.
Variant type: single nucleotide variant.
Coding change: c.544A>C on transcript NM_000434.4 (MANE Select); coding-DNA position 544, A replaced by C.
Protein change: p.Ser182Arg; replaces serine 182 with arginine.
Molecular consequence: missense variant.
Genome position (GRCh38, 1-based): chr6:31,861,259, T>G on the plus strand (A>C on the coding strand, the complement: NEU1 is on the minus strand). VCF-style: chr6-31861259-T-G. GRCh37 (hg19) VCF-style: chr6-31829036-T-G.
Other names: short protein forms S182R.
Identifiers: ClinVar variation 93001 (VCV000093001.8), dbSNP rs398123392, ClinGen allele CA220823.